The following is an entry in ClinVar:

ClinVar aggregate classification (germline): Conflicting classifications of pathogenicity. Review status: criteria provided, conflicting classifications (1 of 4 stars). 2 submissions from 2 submitters: Uncertain significance (1); Likely benign (1). Last evaluated 2023-02-17.

Conditions:
Hereditary cancer-predisposing syndrome. Also called: Neoplastic Syndromes, Hereditary; Tumor predisposition; Hereditary neoplastic syndrome; Hereditary Cancer Syndrome. Identifiers: Orphanet 140162, MedGen C0027672, MeSH D009386, MONDO:0015356.
Renal cell carcinoma. Identifiers: Orphanet 217071, MedGen C0007134, MeSH D002292, MONDO:0005086, HP:0005584.

Submissions (2):

Ambry Genetics
Classification: Likely benign for Hereditary cancer-predisposing syndrome. Last evaluated: 2023-02-17. Review status: criteria provided, single submitter. Criteria: Ambry Variant Classification Scheme 2023. Collection method: clinical testing. Allele origin: germline.

Labcorp Genetics (formerly Invitae), Labcorp
Classification: Uncertain significance for Renal cell carcinoma. Last evaluated: 2023-01-23. Review status: criteria provided, single submitter. Criteria: Invitae Variant Classification Sherloc (09022015). Collection method: clinical testing. Allele origin: germline.
Comment: This sequence change replaces alanine, which is neutral and non-polar, with valine, which is neutral and non-polar, at codon 954 of the MET protein (p.Ala954Val). This variant is not present in population databases (gnomAD no frequency). This variant has not been reported in the literature in individuals affected with MET-related conditions. Advanced modeling of protein sequence and biophysical properties (such as structural, functional, and spatial information, amino acid conservation, physicochemical variation, residue mobility, and thermodynamic stability) performed at Invitae indicates that this missense variant is not expected to disrupt MET protein function. In summary, the available evidence is currently insufficient to determine the role of this variant in disease. Therefore, it has been classified as a Variant of Uncertain Significance.

NM_000245.4(MET):c.2807C>T (p.Ala936Val)

Gene: MET (MET proto-oncogene, receptor tyrosine kinase; plus strand). Cytogenetic location: 7q31.2.
Variant type: single nucleotide variant.
Coding change: c.2807C>T on transcript NM_000245.4 (MANE Select); coding-DNA position 2807, C replaced by T.
Protein change: p.Ala936Val; replaces alanine 936 with valine.
Molecular consequence: missense variant.
Genome position (GRCh38, 1-based): chr7:116,771,574, C>T. VCF-style: chr7-116771574-C-T. GRCh37 (hg19) VCF-style: chr7-116411628-C-T.
Other names: c.2861C>T, p.Ala954Val (NM_001127500.3); c.1517C>T, p.Ala506Val (NM_001324402.2); short protein forms A506V, A954V, A936V.
Identifiers: ClinVar variation 2453416 (VCV002453416.5), dbSNP rs764368218, ClinGen allele CA368986551.